The following is an entry in ClinVar:

NM_002857.4(PEX19):c.31G>C (p.Gly11Arg)

Gene: PEX19 (peroxisomal biogenesis factor 19; minus strand). Cytogenetic location: 1q23.2.
Variant type: single nucleotide variant.
Coding change: c.31G>C on transcript NM_002857.4 (MANE Select); coding-DNA position 31, G replaced by C.
Protein change: p.Gly11Arg; replaces glycine 11 with arginine.
Molecular consequence: missense variant. On other transcripts: non-coding transcript variant (2).
Genome position (GRCh38, 1-based): chr1:160,285,094, C>G on the plus strand (G>C on the coding strand, the complement: PEX19 is on the minus strand). VCF-style: chr1-160285094-C-G. GRCh37 (hg19) VCF-style: chr1-160254884-C-G.
Other names: c.31G>C, p.Gly11Arg (NM_001193644.1); short protein forms G11R.
Identifiers: ClinVar variation 1493235 (VCV001493235.6), dbSNP rs772905234, ClinGen allele CA1197511.

ClinVar aggregate classification (germline): Uncertain significance (1 of 4 stars; one submission).

Conditions:
Peroxisome biogenesis disorder 12A (Zellweger). Also called: Peroxisome biogenesis disorder 12A. Identifiers: Orphanet 912, MedGen C3554002, MONDO:0013951, OMIM 614886.

Allele frequency attached by ClinVar (database versions not stated): ExAC 0.00001; gnomAD exomes 0.00001; TOPMed 0.00001.

Submission:

Labcorp Genetics (formerly Invitae), Labcorp
Classification: Uncertain significance for Peroxisome biogenesis disorder 12A (Zellweger). Last evaluated: 2022-09-27. Review status: criteria provided, single submitter. Criteria: Invitae Variant Classification Sherloc (09022015). Collection method: clinical testing. Allele origin: germline.
Comment: In summary, the available evidence is currently insufficient to determine the role of this variant in disease. Therefore, it has been classified as a Variant of Uncertain Significance. Algorithms developed to predict the effect of missense changes on protein structure and function are either unavailable or do not agree on the potential impact of this missense change (SIFT: "Tolerated"; PolyPhen-2: "Probably Damaging"; Align-GVGD: "Class C0"). ClinVar contains an entry for this variant (Variation ID: 1493235). This variant has not been reported in the literature in individuals affected with PEX19-related conditions. This variant is present in population databases (rs772905234, gnomAD 0.006%). This sequence change replaces glycine, which is neutral and non-polar, with arginine, which is basic and polar, at codon 11 of the PEX19 protein (p.Gly11Arg).